The following is an entry in ClinVar:

ClinVar aggregate classification (germline): Pathogenic. Review status: criteria provided, multiple submitters, no conflicts (2 of 4 stars). 2 submissions from 2 submitters: Pathogenic (2). Last evaluated 2021-12-20.

Conditions:
Aniridia 1 (AN1). Identifiers: Orphanet 250923, MedGen C0344542, MONDO:0024507, OMIM 106210.
Irido-corneo-trabecular dysgenesis (ASGD5). Also called: ANTERIOR SEGMENT DYSGENESIS 5. Identifiers: Orphanet 708, MedGen C0344559, MONDO:0011414, OMIM 604229, HP:0000659.

Submissions (2):

Labcorp Genetics (formerly Invitae), Labcorp
Classification: Pathogenic for Aniridia 1; Irido-corneo-trabecular dysgenesis. Last evaluated: 2021-12-20. Review status: criteria provided, single submitter. Criteria: Invitae Variant Classification Sherloc (09022015). Collection method: clinical testing. Allele origin: germline.
Comment: For these reasons, this variant has been classified as Pathogenic. Algorithms developed to predict the effect of sequence changes on RNA splicing suggest that this variant may create or strengthen a splice site. ClinVar contains an entry for this variant (Variation ID: 800396). This premature translational stop signal has been observed in individual(s) with aniridia (PMID: 32360764, 34101622). This variant is not present in population databases (gnomAD no frequency). This sequence change creates a premature translational stop signal (p.Cys40Argfs*15) in the PAX6 gene. It is expected to result in an absent or disrupted protein product. Loss-of-function variants in PAX6 are known to be pathogenic (PMID: 12634864).

Wessex Regional Genetics Laboratory, Salisbury District Hospital
Classification: Pathogenic for Aniridia 1. Last evaluated: 2019-08-15. Review status: criteria provided, single submitter. Criteria: ACMG Guidelines, 2015. Collection method: clinical testing. Allele origin: inherited, unknown. Inheritance: Autosomal dominant inheritance. Affected: yes. Observed: 2 variant alleles.

Literature cited by the submitters: PubMed 32360764 (cited by Labcorp Genetics (formerly Invitae), Labcorp); PubMed 34101622 (cited by Labcorp Genetics (formerly Invitae), Labcorp); PubMed 12634864 (cited by Labcorp Genetics (formerly Invitae), Labcorp).

NM_001368894.2(PAX6):c.115_116dup (p.Cys40fs)

Gene: PAX6 (paired box 6; minus strand). Cytogenetic location: 11p13.
Variant type: Duplication.
Coding change: c.115_116dup on transcript NM_001368894.2 (MANE Select); coding-DNA positions 115 to 116, 2 bases duplicated (CC; older notation c.115_116dupCC).
Protein change: p.Cys40fs; shifts the reading frame from cysteine 40.
Molecular consequence: frameshift variant. On other transcripts: 5 prime UTR variant (12), non-coding transcript variant (2), intron variant (2).
Genome position (GRCh38, 1-based): chr11:31,802,729-31,802,730, GG duplicated on the plus strand (CC on the coding strand, the reverse complement: PAX6 is on the minus strand). VCF-style (leftmost placement, unchanged base first): chr11-31802728-C-CGG. GRCh37 (hg19) VCF-style: chr11-31824276-C-CGG.
Other names: c.-667_-666dup (NM_001310160.2, NM_001368905.2); c.-336_-335dup (NM_001310161.3, NM_001368900.2, NM_001368903.2 and 2 more transcripts); c.115_116dup, p.Cys40fs (NM_001368887.2, NM_001368888.2, NM_001368889.2 and 30 more transcripts); c.-294_-293dup (NM_001368899.2, NM_001368901.2, NM_001368906.2 and 1 more transcripts); c.-625_-624dup (NM_001368902.2); c.358_359dup, p.Cys121fs (NM_001368910.2); c.118_119dup, p.Cys41fs (NM_001368911.2); c.-267-954_-267-953dup (NM_001368909.2, NM_001368904.2); short protein forms C41fs, C121fs, C40fs.
Identifiers: ClinVar variation 800396 (VCV000800396.6), dbSNP rs1592563240, ClinGen allele CA915948078.